The following is an entry in ClinVar:

NM_212482.4(FN1):c.5978-5T>G

Genes: FN1 (fibronectin 1; minus strand), LOC126806496 (CDK7 strongly-dependent group 2 enhancer GRCh37_chr2:216240057-216241256; plus strand). Cytogenetic location: 2q35.
Variant type: single nucleotide variant.
Coding change: c.5978-5T>G on transcript NM_212482.4 (MANE Select); 5 bases into the intron before coding-DNA position 5978, T replaced by G.
Molecular consequence: intron variant.
Genome position (GRCh38, 1-based): chr2:215,375,398, A>C on the plus strand (T>G on the coding strand, the complement: FN1 is on the minus strand). VCF-style: chr2-215375398-A-C. GRCh37 (hg19) VCF-style: chr2-216240121-A-C.
Other names: c.5435-5T>G (NM_212474.3, NM_001306132.2, NM_001365523.2 and 2 more transcripts); c.5705-5T>G (NM_001365524.2, NM_212478.3, NM_001365520.2 and 2 more transcripts); c.5708-5T>G (NM_001306130.2, NM_001365522.2, NM_001365519.2 and 2 more transcripts); c.5978-5T>G (NM_001306129.2).
Identifiers: ClinVar variation 2867862 (VCV002867862.3), dbSNP rs1307209596, ClinGen allele CA539837831.

ClinVar aggregate classification (germline): Uncertain significance (1 of 4 stars; one submission).

Allele frequency attached by ClinVar (database versions not stated): gnomAD exomes below 0.00001.
gnomAD v4.1: 1 of 1,598,238 alleles (0.000063%); highest among the groups gnomAD compares: Admixed American, 0.0017%; no homozygotes.

Submission:

Labcorp Genetics (formerly Invitae), Labcorp
Classification: Uncertain significance. Last evaluated: 2023-10-05. Review status: criteria provided, single submitter. Criteria: Invitae Variant Classification Sherloc (09022015). Collection method: clinical testing. Allele origin: germline.
Comment: This sequence change falls in intron 37 of the FN1 gene. It does not directly change the encoded amino acid sequence of the FN1 protein. This variant is present in population databases (no rsID available, gnomAD 0.004%). This variant has not been reported in the literature in individuals affected with FN1-related conditions. Algorithms developed to predict the effect of sequence changes on RNA splicing suggest that this variant may disrupt the consensus splice site. In summary, the available evidence is currently insufficient to determine the role of this variant in disease. Therefore, it has been classified as a Variant of Uncertain Significance.